The following is an entry in ClinVar:

ClinVar aggregate classification (germline): Likely pathogenic (1 of 4 stars; one submission).

Conditions:
Hearing loss, autosomal dominant 37. Also called: DEAFNESS, AUTOSOMAL DOMINANT 37. Identifiers: MedGen C4760307, MONDO:0032802, OMIM 618533.

Submission:

Laboratory of Medical Genetics, National & Kapodistrian University of Athens
Classification: Likely pathogenic for Hearing loss, autosomal dominant 37. Last evaluated: 2022-06-23. Review status: criteria provided, single submitter. Criteria: ACMG Guidelines, 2015. Collection method: clinical testing. Allele origin: germline. Affected: yes.
Comment: PVS1, PM2

NM_001854.4(COL11A1):c.3600+2T>C

Gene: COL11A1 (collagen type XI alpha 1 chain; minus strand). Cytogenetic location: 1p21.1.
Variant type: single nucleotide variant.
Coding change: c.3600+2T>C on transcript NM_001854.4 (MANE Select); the canonical splice donor site of the intron after coding-DNA position 3600, T replaced by C.
Molecular consequence: splice donor variant.
Genome position (GRCh38, 1-based): chr1:102,934,447, A>G on the plus strand (T>C on the coding strand, the complement: COL11A1 is on the minus strand). VCF-style: chr1-102934447-A-G. GRCh37 (hg19) VCF-style: chr1-103400003-A-G.
Other names: c.3483+2T>C (NM_001190709.2); c.3636+2T>C (NM_080629.3); c.3252+2T>C (NM_080630.4).
Identifiers: ClinVar variation 1708056 (VCV001708056.1), dbSNP rs1570781670, ClinGen allele CA341167261.